The following is an entry in ClinVar:

ClinVar aggregate classification (germline): Uncertain significance (1 of 4 stars; one submission).

Conditions:
SDCCAG8-related disorder. Also called: SDCCAG8-Related Disorders; SDCCAG8-related condition.

Submission:

PreventionGenetics, part of Exact Sciences
Classification: Uncertain significance for SDCCAG8-related condition. Last evaluated: 2026-07-20. Review status: criteria provided, single submitter. Criteria: ACMG Guidelines, 2015. Collection method: clinical testing. Allele origin: germline.
Comment: The SDCCAG8 c.1378C>G variant is predicted to result in the amino acid substitution p.Gln460Glu. To our knowledge, this variant has not been reported in the literature or in a large population database (gnomAD), indicating this variant is rare. At this time, the clinical significance of this variant is uncertain due to the absence of conclusive functional and genetic evidence.

NM_006642.5(SDCCAG8):c.1378C>G (p.Gln460Glu)

Gene: SDCCAG8 (SHH signaling and ciliogenesis regulator SDCCAG8; plus strand). Cytogenetic location: 1q43.
Variant type: single nucleotide variant.
Coding change: c.1378C>G on transcript NM_006642.5 (MANE Select); coding-DNA position 1378, C replaced by G.
Protein change: p.Gln460Glu; replaces glutamine 460 with glutamic acid.
Molecular consequence: missense variant.
Genome position (GRCh38, 1-based): chr1:243,344,236, C>G. VCF-style: chr1-243344236-C-G. GRCh37 (hg19) VCF-style: chr1-243507538-C-G.
Other names: c.475C>G, p.Gln159Glu (NM_001350246.2, NM_001350247.2, NM_001350251.2); c.1474C>G, p.Gln492Glu (NM_001350248.2); c.1084C>G, p.Gln362Glu (NM_001350249.2); short protein forms Q362E, Q159E, Q460E, Q492E.
Identifiers: ClinVar variation 4991365 (VCV004991365.1).